The following is an entry in ClinVar:

ClinVar aggregate classification (germline): Pathogenic (0 of 4 stars; one submission).

Conditions:
Nephrotic syndrome. Identifiers: MedGen C0027726, MONDO:0005377, HP:0000100.

Submission:

Sydney Genome Diagnostics, Children's Hospital Westmead
Classification: Pathogenic for Nephrotic syndrome. Last evaluated: 2018-10-24. Review status: no assertion criteria provided. Collection method: clinical testing. Allele origin: unknown. Affected: yes. Observed: 1 variant allele, 1 hemizygote.
Comment: To our knowledge, this variant has not been previously reported and no frequency data is available. In silico analysis (Alamut Visual v2.6) predicts this variant to completely abolish the consensus splice acceptor site at c.604 (resulting in the skipping of exon 8) and is likely to be pathogenic.

NM_001127898.4(CLCN5):c.604-2A>G

Gene: CLCN5 (chloride voltage-gated channel 5; plus strand). Cytogenetic location: Xp11.23.
Variant type: single nucleotide variant.
Coding change: c.604-2A>G on transcript NM_001127898.4 (MANE Select); the canonical splice acceptor site of the intron before coding-DNA position 604, A replaced by G.
Molecular consequence: splice acceptor variant.
Genome position (GRCh38, 1-based): chrX:50,080,592, A>G. VCF-style: chrX-50080592-A-G. GRCh37 (hg19) VCF-style: chrX-49845249-A-G.
Other names: c.604-2A>G (NM_001127899.4); c.394-2A>G (NM_000084.5); c.454-2A>G (NM_001282163.2).
Identifiers: ClinVar variation 988248 (VCV000988248.1), dbSNP rs1933652537, ClinGen allele CA413183458.